The following is an entry in ClinVar:

ClinVar aggregate classification (germline): Pathogenic (1 of 4 stars; one submission).

Conditions:
Focal segmental glomerulosclerosis (FSGS). Also called: Glomerulosclerosis, focal; Focal sclerosis with hyalinosis. Identifiers: MedGen C0017668, MONDO:0100313, HP:0000097. Disease mechanism: loss of function.

gnomAD v4.1: 1 of 1,614,026 alleles (0.000062%); highest among the groups gnomAD compares: Non-Finnish European, 0.000085%; no homozygotes.

Submission:

Molecular Lab, University of Sulaimaniyah
Classification: Pathogenic for Focal segmental glomerulosclerosis. Last evaluated: 2026-03-22. Review status: criteria provided, single submitter. Criteria: ACMG Guidelines, 2015. Collection method: clinical testing. Allele origin: germline. Inheritance: Autosomal dominant inheritance. Affected: yes. Observed: 1 variant allele, 1 heterozygote.
Comment: This variant was classified using the ACMG/AMP 2015 framework (PMID:25741868). PM2 was considered because the variant is absent or not reported in population databases. PP3 was considered because in-silico prediction supported a deleterious effect. It was observed in 1 affected individual(s) from a biopsy-proven focal segmental glomerulosclerosis cohort, including 1 heterozygote(s). The submitted evidence supported a Pathogenic classification.

NM_000092.5(COL4A4):c.2590G>C (p.Gly864Arg)

Gene: COL4A4 (collagen type IV alpha 4 chain; minus strand). Cytogenetic location: 2q36.3.
Variant type: single nucleotide variant.
Coding change: c.2590G>C on transcript NM_000092.5 (MANE Select); coding-DNA position 2590, G replaced by C.
Protein change: p.Gly864Arg; replaces glycine 864 with arginine.
Molecular consequence: missense variant.
Genome position (GRCh38, 1-based): chr2:227,056,071, C>G on the plus strand (G>C on the coding strand, the complement: COL4A4 is on the minus strand). VCF-style: chr2-227056071-C-G. GRCh37 (hg19) VCF-style: chr2-227920787-C-G.
Other names: short protein forms G864R.
Identifiers: ClinVar variation 4819378 (VCV004819378.1).